The following is an entry in ClinVar:

ClinVar aggregate classification (germline): Likely benign. Review status: criteria provided, single submitter (1 of 4 stars). 2 submissions from 2 submitters: Likely benign (1). 1 of the submissions does not count toward it. Last evaluated 2026-01-22.

Conditions:
MHC class I deficiency. Identifiers: Orphanet 34592, MedGen C6024714, MONDO:0011476.
TAPBP-related disorder. Also called: TAPBP-related condition.

Allele frequency attached by ClinVar (database versions not stated): gnomAD exomes 0.00008; 1000 Genomes Project 30x 0.00047; TOPMed 0.00019; 1000 Genomes Project 0.00060; ExAC 0.00009; gnomAD 0.00016.
gnomAD v4.1: 46 of 1,565,730 alleles (0.0029%); highest among the groups gnomAD compares: African/African-American, 0.05%; no homozygotes.

Submissions (2):

Labcorp Genetics (formerly Invitae), Labcorp
Classification: Likely benign for MHC class I deficiency 1. Last evaluated: 2026-01-22. Review status: criteria provided, single submitter. Criteria: Invitae Variant Classification Sherloc (09022015). Collection method: clinical testing. Allele origin: germline.

PreventionGenetics, part of Exact Sciences
Classification: Likely benign for TAPBP-related condition. Last evaluated: 2019-10-28. Review status: no assertion criteria provided. Collection method: clinical testing. Allele origin: germline. Not counted in ClinVar's aggregate classification.
Comment: This variant is classified as likely benign based on ACMG/AMP sequence variant interpretation guidelines (Richards et al. 2015 PMID: 25741868, with internal and published modifications).

NM_003190.5(TAPBP):c.876C>G (p.Pro292=)

Gene: TAPBP (TAP binding protein; minus strand). Cytogenetic location: 6p21.32.
Variant type: single nucleotide variant.
Coding change: c.876C>G on transcript NM_003190.5 (MANE Select); coding-DNA position 876, C replaced by G.
Protein change: p.Pro292=; no amino-acid change (proline 292 retained).
Molecular consequence: synonymous variant.
Genome position (GRCh38, 1-based): chr6:33,304,631, G>C on the plus strand (C>G on the coding strand, the complement: TAPBP is on the minus strand). VCF-style: chr6-33304631-G-C. GRCh37 (hg19) VCF-style: chr6-33272408-G-C.
Other names: c.876C>G, p.Pro292= (NM_172208.3); c.615C>G, p.Pro205= (NM_172209.3); c.876C>G (NM_003190.4).
Identifiers: ClinVar variation 1158789 (VCV001158789.11), dbSNP rs555796568, ClinGen allele CA3755771.